The following is an entry in ClinVar:

NM_001289104.2(PRKCSH):c.939GGA[13] (p.Glu323_Glu325dup)

Gene: PRKCSH (PRKCSH beta subunit of glucosidase II; plus strand). Cytogenetic location: 19p13.2.
Variant type: Microsatellite.
Coding change: c.939GGA[13] on transcript NM_001289104.2 (MANE Select); 13 copies in a row of the 3-base unit GGA starting at c.939; the reference has ten copies in a row; three copies, 9 bases duplicated.
Protein change: p.Glu323_Glu325dup.
Molecular consequence: inframe insertion.
Genome position (GRCh38, 1-based): chr19:11,447,549-11,447,557, GGAGGAGGA duplicated; duplicating any 9 consecutive bases within chr19:11,447,526-11,447,557 gives the same sequence; the position shown is the placement nearest the transcript's 3' end. VCF-style (leftmost placement, unchanged base first): chr19-11447525-A-AGAGGAGGAG. GRCh37 (hg19) VCF-style: chr19-11558340-A-AGAGGAGGAG.
Other names: c.939GGA[13], p.Glu323_Glu325dup (NM_001001329.3, NM_001289102.2, NM_001289103.2 and 3 more transcripts).
Identifiers: ClinVar variation 1352743 (VCV001352743.6), dbSNP rs3217229, ClinGen allele CA305355918.

ClinVar aggregate classification (germline): Uncertain significance (1 of 4 stars; one submission).

Submission:

Labcorp Genetics (formerly Invitae), Labcorp
Classification: Uncertain significance. Last evaluated: 2026-01-22. Review status: criteria provided, single submitter. Criteria: Invitae Variant Classification Sherloc (09022015). Collection method: clinical testing. Allele origin: germline.
Comment: This variant, c.960_968dup, results in the insertion of 3 amino acid(s) of the PRKCSH protein (p.Glu323_Glu325dup), but otherwise preserves the integrity of the reading frame. The frequency data for this variant in the population databases is considered unreliable, as metrics indicate poor data quality at this position in the gnomAD database. This variant has not been reported in the literature in individuals affected with PRKCSH-related conditions. Experimental studies and prediction algorithms are not available or were not evaluated, and the functional significance of this variant is currently unknown. In summary, the available evidence is currently insufficient to determine the role of this variant in disease. Therefore, it has been classified as a Variant of Uncertain Significance.